The following is an entry in ClinVar:

NM_001080.3(ALDH5A1):c.609G>T (p.Pro203=)

Gene: ALDH5A1 (aldehyde dehydrogenase 5 family member A1; plus strand). Cytogenetic location: 6p22.3.
Variant type: single nucleotide variant.
Coding change: c.609G>T on transcript NM_001080.3 (MANE Select); coding-DNA position 609, G replaced by T.
Protein change: p.Pro203=; no amino-acid change (proline 203 retained).
Molecular consequence: synonymous variant.
Genome position (GRCh38, 1-based): chr6:24,503,433, G>T. VCF-style: chr6-24503433-G-T. GRCh37 (hg19) VCF-style: chr6-24503661-G-T.
Other names: c.609G>T, p.Pro203= (NM_001368954.1, NM_170740.1).
Identifiers: ClinVar variation 1307100 (VCV001307100.2), dbSNP rs142373741, ClinGen allele CA448782632.

ClinVar aggregate classification (germline): Uncertain significance (1 of 4 stars; one submission).

gnomAD v4.1: 1 of 1,611,746 alleles (0.000062%); highest among the groups gnomAD compares: Non-Finnish European, 0.000085%; no homozygotes.

Submission:

GeneDx
Classification: Uncertain significance. Last evaluated: 2019-02-27. Review status: criteria provided, single submitter. Criteria: GeneDx Variant Classification Process June 2021. Collection method: clinical testing. Allele origin: germline. Affected: yes.
Comment: Not observed in large population cohorts (Lek et al., 2016; McVean et al., 2012; Exome Variant Server); Has not been previously published as pathogenic or benign to our knowledge; In silico analysis, which includes splice predictors and evolutionary conservation, is inconclusive as to whether the variant alters gene splicing. In the absence of RNA/functional studies, the actual effect of this sequence change is unknown.